The following is an entry in ClinVar:

ClinVar aggregate classification (germline): Uncertain significance (1 of 4 stars; one submission).

Submission:

CeGaT Center for Human Genetics Tuebingen
Classification: Uncertain significance. Last evaluated: 2024-07-01. Review status: criteria provided, single submitter. Criteria: CeGaT Center For Human Genetics Tuebingen Variant Classification Criteria Version 2. Collection method: clinical testing. Allele origin: germline. Affected: yes. Observed: 1 variant allele.
Comment: LRRC19: PM2, BP4

NM_022901.3(LRRC19):c.424G>T (p.Val142Leu)

Genes: IFT74 (intraflagellar transport 74; plus strand), LRRC19 (leucine rich repeat containing 19; minus strand). Cytogenetic location: 9p21.2.
Variant type: single nucleotide variant.
Coding change: c.424G>T on transcript NM_022901.3 (MANE Select); coding-DNA position 424, G replaced by T.
Protein change: p.Val142Leu; replaces valine 142 with leucine.
Molecular consequence: missense variant. On other transcripts: intron variant (5).
Genome position (GRCh38, 1-based): chr9:26,997,899, C>A on the plus strand (G>T on the coding strand, the complement: LRRC19 is on the minus strand). VCF-style: chr9-26997899-C-A. GRCh37 (hg19) VCF-style: chr9-26997897-C-A.
Other names: c.587+7704C>A (NM_001099223.3, NM_001099222.3, NM_001349928.2 and 2 more transcripts); short protein forms V142L.
Identifiers: ClinVar variation 3257531 (VCV003257531.17).